The following is an entry in ClinVar:

NM_022124.6(CDH23):c.5518C>T (p.Arg1840Trp)

Gene: CDH23 (cadherin related 23; plus strand). Cytogenetic location: 10q22.1.
Variant type: single nucleotide variant.
Coding change: c.5518C>T on transcript NM_022124.6 (MANE Select); coding-DNA position 5518, C replaced by T.
Protein change: p.Arg1840Trp; replaces arginine 1840 with tryptophan.
Molecular consequence: missense variant.
Genome position (GRCh38, 1-based): chr10:71,784,906, C>T. VCF-style: chr10-71784906-C-T. GRCh37 (hg19) VCF-style: chr10-73544663-C-T.
Other names: short protein forms R1840W.
Identifiers: ClinVar variation 499509 (VCV000499509.16), dbSNP rs145951744, ClinGen allele CA5545802.

ClinVar aggregate classification (germline): Uncertain significance. Review status: criteria provided, multiple submitters, no conflicts (2 of 4 stars). 8 submissions from 8 submitters: Uncertain significance (5). 3 of the submissions do not count toward it. Last evaluated 2026-08-25.

Conditions:
CDH23-related disorder. Also called: CDH23-related disorders; CDH23-related condition.
Usher syndrome type 1 (USH1). Also called: RETINITIS PIGMENTOSA AND CONGENITAL DEAFNESS. Identifiers: Orphanet 231169, Orphanet 886, MedGen C1568247, MONDO:0010168, OMIM 276900.

Allele frequency attached by ClinVar (database versions not stated): gnomAD 0.00001 and 0.00002; ExAC 0.00002; gnomAD exomes 0.00002; TOPMed 0.00002; 1000 Genomes Project 30x 0.00016; 1000 Genomes Project 0.00020.
gnomAD v4.1: 18 of 1,613,768 alleles (0.0011%); highest among the groups gnomAD compares: Middle Eastern, 0.033%; no homozygotes.

Submissions (8):

PreventionGenetics, part of Exact Sciences
Classification: Uncertain significance for CDH23-related condition. Last evaluated: 2026-08-25. Review status: criteria provided, single submitter. Criteria: ACMG Guidelines, 2015. Collection method: clinical testing. Allele origin: germline.
Comment: The CDH23 c.5518C>T variant is predicted to result in the amino acid substitution p.Arg1840Trp. To our knowledge, this variant has not been reported in the literature. This variant is reported in 0.011% of alleles in individuals of Latino descent in gnomAD. At this time, the clinical significance of this variant is uncertain due to the absence of conclusive functional and genetic evidence.

Labcorp Genetics (formerly Invitae), Labcorp
Classification: Uncertain significance. Last evaluated: 2025-11-24. Review status: criteria provided, single submitter. Criteria: Invitae Variant Classification Sherloc (09022015). Collection method: clinical testing. Allele origin: germline.
Comment: This sequence change replaces arginine, which is basic and polar, with tryptophan, which is neutral and slightly polar, at codon 1840 of the CDH23 protein (p.Arg1840Trp). This variant is present in population databases (rs145951744, gnomAD 0.01%). This variant has not been reported in the literature in individuals affected with CDH23-related conditions. ClinVar contains an entry for this variant (Variation ID: 499509). Invitae Evidence Modeling of protein sequence and biophysical properties (such as structural, functional, and spatial information, amino acid conservation, physicochemical variation, residue mobility, and thermodynamic stability) has been performed for this missense variant. However, the output from this modeling did not meet the statistical confidence thresholds required to predict the impact of this variant on CDH23 protein function. In summary, the available evidence is currently insufficient to determine the role of this variant in disease. Therefore, it has been classified as a Variant of Uncertain Significance.

GeneDx
Classification: Uncertain significance. Last evaluated: 2024-07-23. Review status: criteria provided, single submitter. Criteria: GeneDx Variant Classification Process June 2021. Collection method: clinical testing. Allele origin: germline. Affected: yes.
Comment: In silico analysis supports that this missense variant has a deleterious effect on protein structure/function; Has not been previously published as pathogenic or benign to our knowledge

Blueprint Genetics
Classification: Uncertain significance. Last evaluated: 2024-04-26. Review status: criteria provided, single submitter. Criteria: ACMG Guidelines, 2015. Collection method: clinical testing. Allele origin: germline.

Eurofins Ntd Llc (ga)
Classification: Uncertain significance. Last evaluated: 2017-01-20. Review status: criteria provided, single submitter. Criteria: EGL Classification Definitions 2015. Collection method: clinical testing. Allele origin: germline. Observed: 1 variant allele, 1 heterozygote.

Natera, Inc.
Classification: Uncertain significance for Usher syndrome type 1. Last evaluated: 2020-03-04. Review status: no assertion criteria provided. Collection method: clinical testing. Allele origin: germline. Not counted in ClinVar's aggregate classification.

Clinical Genetics DNA and cytogenetics Diagnostics Lab, Erasmus MC, Erasmus Medical Center
Classification: Uncertain significance. Review status: no assertion criteria provided. Collection method: clinical testing. Allele origin: germline. Affected: yes. Study: VKGL Data-share Consensus. Not counted in ClinVar's aggregate classification.

Clinical Genetics, Academic Medical Center
Classification: Uncertain significance. Review status: no assertion criteria provided. Collection method: clinical testing. Allele origin: germline. Affected: yes. Study: VKGL Data-share Consensus. Not counted in ClinVar's aggregate classification.